The following is an entry in ClinVar:

ClinVar aggregate classification (germline): Uncertain significance (1 of 4 stars; one submission).

Conditions:
Inborn genetic diseases. Identifiers: MedGen C0950123, MeSH D030342.

Allele frequency attached by ClinVar (database versions not stated): TOPMed below 0.00001; ExAC 0.00001; gnomAD 0.00001.
gnomAD v4.1: 2 of 1,613,842 alleles (0.00012%); highest among the groups gnomAD compares: East Asian, 0.0045%; no homozygotes.

Submission:

Ambry Genetics
Classification: Uncertain significance for Inborn genetic diseases. Last evaluated: 2023-01-26. Review status: criteria provided, single submitter. Criteria: Ambry Variant Classification Scheme 2023. Collection method: clinical testing. Allele origin: germline.
Comment: The p.E643D variant (also known as c.1929A>C), located in coding exon 16 of the LRRK2 gene, results from an A to C substitution at nucleotide position 1929. The glutamic acid at codon 643 is replaced by aspartic acid, an amino acid with highly similar properties. This amino acid position is conserved. In addition, this alteration is predicted to be tolerated by in silico analysis. Since supporting evidence is limited at this time, the clinical significance of this alteration remains unclear.

NM_198578.4(LRRK2):c.1929A>C (p.Glu643Asp)

Gene: LRRK2 (leucine rich repeat kinase 2; plus strand). Cytogenetic location: 12q12.
Variant type: single nucleotide variant.
Coding change: c.1929A>C on transcript NM_198578.4 (MANE Select); coding-DNA position 1929, A replaced by C.
Protein change: p.Glu643Asp; replaces glutamic acid 643 with aspartic acid.
Molecular consequence: missense variant.
Genome position (GRCh38, 1-based): chr12:40,274,981, A>C. VCF-style: chr12-40274981-A-C. GRCh37 (hg19) VCF-style: chr12-40668783-A-C.
Other names: short protein forms E643D.
Identifiers: ClinVar variation 2453093 (VCV002453093.2), dbSNP rs774369952, ClinGen allele CA6513491.